The following is an entry in ClinVar:

ClinVar aggregate classification (germline): Likely pathogenic (1 of 4 stars; one submission).

Conditions:
Maple syrup urine disease (MSUD). Identifiers: Orphanet 511, MedGen C0024776, MeSH D008375, MONDO:0009563. Disease mechanism: loss of function.

Allele frequency attached by ClinVar (database versions not stated): TOPMed below 0.00001.

Submission:

Myriad Genetics, Inc.
Classification: Likely pathogenic for Maple syrup urine disease type 1A. Last evaluated: 2022-03-02. Review status: criteria provided, single submitter. Criteria: Myriad Women's Health Autosomal Recessive and X-Linked Classification Criteria (2021). Collection method: clinical testing. Allele origin: unknown.
Comment: NM_000709.3(BCKDHA):c.755_756insA(F252Lfs*6) is expected to be pathogenic in the context of maple syrup urine disease type Ia. This variant is predicted to lead to an abnormal or absent protein product due to the creation of a premature termination codon in BCKDHA, a gene where loss-of-function variants are known to be pathogenic. Please note: this variant was assessed in the context of healthy population screening.

NM_000709.4(BCKDHA):c.755_756insA (p.Phe252fs)

Gene: BCKDHA (branched chain keto acid dehydrogenase E1 subunit alpha; plus strand). Cytogenetic location: 19q13.2.
Variant type: Insertion.
Coding change: c.755_756insA on transcript NM_000709.4 (MANE Select); coding-DNA positions 755 to 756, A inserted.
Protein change: p.Phe252fs; shifts the reading frame from phenylalanine 252.
Molecular consequence: frameshift variant.
Genome position: GRCh38 VCF-style: chr19-41422272-T-TA. GRCh37 (hg19) VCF-style: chr19-41928177-T-TA.
Other names: c.755_756insA, p.Phe252fs (NM_001164783.2); short protein forms F252fs.
Identifiers: ClinVar variation 1724918 (VCV001724918.2), dbSNP rs2039375116, ClinGen allele CA2336459038.